The following is an entry in ClinVar:

NM_000097.7(CPOX):c.601G>A (p.Glu201Lys)

Gene: CPOX (coproporphyrinogen oxidase; minus strand). Cytogenetic location: 3q11.2.
Variant type: single nucleotide variant.
Coding change: c.601G>A on transcript NM_000097.7 (MANE Select); coding-DNA position 601, G replaced by A.
Protein change: p.Glu201Lys; replaces glutamic acid 201 with lysine.
Molecular consequence: missense variant.
Genome position (GRCh38, 1-based): chr3:98,591,111, C>T on the plus strand (G>A on the coding strand, the complement: CPOX is on the minus strand). VCF-style: chr3-98591111-C-T. GRCh37 (hg19) VCF-style: chr3-98309955-C-T.
Other names: p.Glu201Lys; short protein forms E201K.
Identifiers: ClinVar variation 845386 (VCV000845386.15), dbSNP rs1374394802, ClinGen allele CA353646106.

ClinVar aggregate classification (germline): Pathogenic/Likely pathogenic. Review status: criteria provided, multiple submitters, no conflicts (2 of 4 stars). 5 submissions from 5 submitters: Pathogenic (4); Likely pathogenic (1). Last evaluated 2024-03-02.

Conditions:
CPOX-related disorder. Also called: CPOX-related disorders; CPOX-related condition.
Hereditary coproporphyria (HCP). Also called: COPROPORPHYRINOGEN OXIDASE DEFICIENCY; CPO DEFICIENCY; CPOX DEFICIENCY; CPX DEFICIENCY; Hereditary coproporphyria porphyria; Porphyria hepatica coproporphyria. Identifiers: Orphanet 79273, MedGen C0162531, MONDO:0007369, OMIM 121300.

Allele frequency attached by ClinVar (database versions not stated): gnomAD exomes 0.00001; gnomAD 0.00003.
gnomAD v4.1: 22 of 1,613,984 alleles (0.0014%); highest among the groups gnomAD compares: African/African-American, 0.0027%; no homozygotes.

Submissions (5):

Labcorp Genetics (formerly Invitae), Labcorp
Classification: Pathogenic. Last evaluated: 2024-03-02. Review status: criteria provided, single submitter. Criteria: Invitae Variant Classification Sherloc (09022015). Collection method: clinical testing. Allele origin: germline.
Comment: This sequence change replaces glutamic acid, which is acidic and polar, with lysine, which is basic and polar, at codon 201 of the CPOX protein (p.Glu201Lys). This variant is present in population databases (no rsID available, gnomAD 0.004%). This missense change has been observed in individuals with autosomal dominant hereditary coproporphyria (PMID: 9298818, 11309681; Invitae). It has also been observed to segregate with disease in related individuals. ClinVar contains an entry for this variant (Variation ID: 845386). Advanced modeling of protein sequence and biophysical properties (such as structural, functional, and spatial information, amino acid conservation, physicochemical variation, residue mobility, and thermodynamic stability) performed at Invitae indicates that this missense variant is expected to disrupt CPOX protein function with a positive predictive value of 80%. Experimental studies have shown that this missense change affects CPOX function (PMID: 11309681). For these reasons, this variant has been classified as Pathogenic.

Clinical Genomics Laboratory, Washington University in St. Louis
Classification: Likely pathogenic for Hereditary coproporphyria. Last evaluated: 2023-07-10. Review status: criteria provided, single submitter. Criteria: ACMG Guidelines, 2015. Collection method: clinical testing. Allele origin: germline. Affected: yes.
Comment: The CPOX c.601G>A (p.Glu201Lys) variant, also known as 301G>A (Glu101Lys), is reported in the literature in several individuals affected with autosomal dominant hereditary coproporphyria (Lamoril J et al., PMID: 11309681; Schreiber WE et al., PMID: 929881 Yasuda M et al., PMID: 30594473) and has been reported in the ClinVar database as a germline pathogenic variant by several submitters. The variant is only observed on 5/282,856 alleles in the general population (gnomAD v.2.1.1), indicating it is not a common variant. Computational predictors indicate that the variant is damaging, evidence that correlates with impact to coproporphyrinogen oxidase function. In support of this prediction, studies show reduced activity of the variant protein compared to wild type, indicating that this variant impacts protein function (Lamoril J et al., PMID: 11309681; Schmitt C et al., PMID: 16159891). Based on available information and the ACMG/AMP guidelines for variant interpretation (Richards S et al., PMID: 25741868), this variant is classified as likely pathogenic and may display reduced penetrance.

Women's Health and Genetics/Laboratory Corporation of America, LabCorp
Classification: Pathogenic for Hereditary coproporphyria. Last evaluated: 2023-04-18. Review status: criteria provided, single submitter. Criteria: LabCorp Variant Classification Summary - May 2015. Collection method: clinical testing. Allele origin: germline.
Comment: Variant summary: CPOX c.601G>A (p.Glu201Lys) results in a conservative amino acid change in the encoded protein sequence. Four of five in-silico tools predict a damaging effect of the variant on protein function. The variant allele was found at a frequency of 1.2e-05 in 251478 control chromosomes (gnomAD). c.601G>A has been reported in the literature in multiple heterozygous individuals affected with Hereditary Coproporphyria (Schreiber_1997, Lamoril_2001, Yasuda_2019), which is consistent with the disease possessing both autosomal dominant and autosomal recessive modes of inheritance for CPOX (MIM 121300). These data indicate that the variant is very likely to be associated with disease. When expressed in E. coli and assayed for activity, the variant recombinant protein had 1% residual activity compared to wild-type recombinant protein (Lamoril_2001). Two ClinVar submitters have assessed the variant since 2014: both classified the variant as pathogenic. Based on the evidence outlined above, the variant was classified as pathogenic.

Blueprint Genetics
Classification: Pathogenic for CPOX-related disorders. Last evaluated: 2022-12-12. Review status: criteria provided, single submitter. Criteria: ACMG Guidelines, 2015. Collection method: clinical testing. Allele origin: germline. Affected: yes. Observed: 1 variant allele.

Mayo Clinic Laboratories, Mayo Clinic
Classification: Pathogenic. Last evaluated: 2021-12-15. Review status: criteria provided, single submitter. Criteria: ACMG Guidelines, 2015. Collection method: clinical testing. Allele origin: germline.
Comment: PP3, PP4, PM2, PS3, PS4_moderate

Literature cited by the submitters: PubMed 9298818 (cited by 3 submitters); PubMed 11309681 (cited by 3 submitters); PubMed 30594473 (cited by Women's Health and Genetics/Laboratory Corporation of America, LabCorp and Mayo Clinic Laboratories, Mayo Clinic); PubMed 16159891 (cited by Mayo Clinic Laboratories, Mayo Clinic).